The following is an entry in ClinVar:

NM_015915.5(ATL1):c.1631C>T (p.Thr544Ile)

Gene: ATL1 (atlastin GTPase 1; plus strand). Cytogenetic location: 14q22.1.
Variant type: single nucleotide variant.
Coding change: c.1631C>T on transcript NM_015915.5 (MANE Select); coding-DNA position 1631, C replaced by T.
Protein change: p.Thr544Ile; replaces threonine 544 with isoleucine.
Molecular consequence: missense variant.
Genome position (GRCh38, 1-based): chr14:50,632,293, C>T. VCF-style: chr14-50632293-C-T. GRCh37 (hg19) VCF-style: chr14-51099011-C-T.
Other names: c.1616C>T, p.Thr539Ile (NM_001127713.1, NM_181598.4); short protein forms T544I, T539I.
Identifiers: ClinVar variation 1428672 (VCV001428672.8), dbSNP rs2140243100, ClinGen allele CA389678881.
Genomic context (GRCh38, chr14:50,632,293, plus strand): 5'-TGTACAAGCTTTACAGTGCAGCAGCAACCCACAGACATCTGTATCATCAAGCTTTCCCTA[C>T]ACCAAAGTCGGAATCTACTGAACAATCAGAAAAGAAAAAAATGTAATGCAAATTTTAAGA-3'
Protein context (NP_056999.2, residues 534-554): HRHLYHQAFP[Thr544Ile]PKSESTEQSE

ClinVar aggregate classification (germline): Uncertain significance (1 of 4 stars; one submission).

Conditions:
Hereditary spastic paraplegia 3A (SPG3A). Also called: SPASTIC PARAPLEGIA 3, AUTOSOMAL DOMINANT; FAMILIAL SPASTIC PARAPLEGIA, AUTOSOMAL DOMINANT, 1; SPG3; STRUMPELL DISEASE; Spastic paraplegia 3A, autosomal dominant; Spastic Paraplegia 3A. Identifiers: Orphanet 100984, MedGen C2931355, MONDO:0008437, OMIM 182600.

Submission:

Labcorp Genetics (formerly Invitae), Labcorp
Classification: Uncertain significance for Hereditary spastic paraplegia 3A. Last evaluated: 2025-09-15. Review status: criteria provided, single submitter. Criteria: Invitae Variant Classification Sherloc (09022015). Collection method: clinical testing. Allele origin: germline.
Comment: This sequence change replaces threonine, which is neutral and polar, with isoleucine, which is neutral and non-polar, at codon 544 of the ATL1 protein (p.Thr544Ile). This variant is not present in population databases (gnomAD no frequency). This variant has not been reported in the literature in individuals affected with ATL1-related conditions. ClinVar contains an entry for this variant (Variation ID: 1428672). Invitae Evidence Modeling of protein sequence and biophysical properties (such as structural, functional, and spatial information, amino acid conservation, physicochemical variation, residue mobility, and thermodynamic stability) has been performed for this missense variant. However, the output from this modeling did not meet the statistical confidence thresholds required to predict the impact of this variant on ATL1 protein function. In summary, the available evidence is currently insufficient to determine the role of this variant in disease. Therefore, it has been classified as a Variant of Uncertain Significance.